The following is an entry in ClinVar:

NM_015295.3(SMCHD1):c.5775T>A (p.Asp1925Glu)

Gene: SMCHD1 (structural maintenance of chromosomes flexible hinge domain containing 1; plus strand). Cytogenetic location: 18p11.32.
Variant type: single nucleotide variant.
Coding change: c.5775T>A on transcript NM_015295.3 (MANE Select); coding-DNA position 5775, T replaced by A.
Protein change: p.Asp1925Glu; replaces aspartic acid 1925 with glutamic acid.
Molecular consequence: missense variant.
Genome position (GRCh38, 1-based): chr18:2,796,004, T>A. VCF-style: chr18-2796004-T-A. GRCh37 (hg19) VCF-style: chr18-2796002-T-A.
Other names: short protein forms D1925E.
Identifiers: ClinVar variation 532803 (VCV000532803.6), dbSNP rs374989057, ClinGen allele CA8871789.

ClinVar aggregate classification (germline): Uncertain significance. Review status: criteria provided, multiple submitters, no conflicts (2 of 4 stars). 3 submissions from 3 submitters: Uncertain significance (3). Last evaluated 2024-03-01.

Conditions:
Inborn genetic diseases. Identifiers: MedGen C0950123, MeSH D030342.
Facioscapulohumeral muscular dystrophy 2 (FSHD2). Also called: FACIOSCAPULOHUMERAL MUSCULAR DYSTROPHY 2, DIGENIC; FSHD2, DIGENIC; MUSCULAR DYSTROPHY, FACIOSCAPULOHUMERAL, TYPE 1B. Identifiers: Orphanet 269, MedGen C1834671, MONDO:0008031, OMIM 158901.

Allele frequency attached by ClinVar (database versions not stated): gnomAD exomes below 0.00001; TOPMed below 0.00001; ExAC 0.00002; ESP Exome Variant Server 0.00008.
gnomAD v4.1: 2 of 1,597,902 alleles (0.00013%); highest among the groups gnomAD compares: Non-Finnish European, 0.00017%; no homozygotes.

Submissions (3):

Ambry Genetics
Classification: Uncertain significance for Inborn genetic diseases. Last evaluated: 2024-03-01. Review status: criteria provided, single submitter. Criteria: Ambry Variant Classification Scheme 2023. Collection method: clinical testing. Allele origin: germline.

GeneDx
Classification: Uncertain significance. Last evaluated: 2023-05-21. Review status: criteria provided, single submitter. Criteria: GeneDx Variant Classification Process June 2021. Collection method: clinical testing. Allele origin: germline. Affected: yes.
Comment: Not observed at significant frequency in large population cohorts (gnomAD); In silico analysis supports that this missense variant does not alter protein structure/function; Has not been previously published as pathogenic or benign to our knowledge

Labcorp Genetics (formerly Invitae), Labcorp
Classification: Uncertain significance for Facioscapulohumeral muscular dystrophy 2. Last evaluated: 2021-08-30. Review status: criteria provided, single submitter. Criteria: Invitae Variant Classification Sherloc (09022015). Collection method: clinical testing. Allele origin: germline.